The following is an entry in ClinVar:

ClinVar aggregate classification (germline): Benign/Likely benign. Review status: criteria provided, multiple submitters, no conflicts (2 of 4 stars). 6 submissions from 6 submitters: Benign (2); Likely benign (1). 3 of the submissions do not count toward it. Last evaluated 2025-11-10.

Conditions:
SLC7A9-related disorder. Also called: SLC7A9-related condition.

Allele frequency attached by ClinVar (database versions not stated): gnomAD exomes 0.00033; 1000 Genomes Project 30x 0.00281; 1000 Genomes Project 0.00300; TOPMed 0.00367; ESP Exome Variant Server 0.00377; gnomAD 0.00395.

Submissions (6):

Labcorp Genetics (formerly Invitae), Labcorp
Classification: Benign. Last evaluated: 2025-11-10. Review status: criteria provided, single submitter. Criteria: Invitae Variant Classification Sherloc (09022015). Collection method: clinical testing. Allele origin: germline.

Mayo Clinic Laboratories, Mayo Clinic
Classification: Likely benign. Last evaluated: 2025-08-22. Review status: criteria provided, single submitter. Criteria: ACMG Guidelines, 2015. Collection method: clinical testing. Allele origin: germline. Observed: 1 variant allele.
Comment: BS1

Breakthrough Genomics
Classification: Benign. Review status: criteria provided, single submitter. Criteria: ACMG Guidelines, 2015. Collection method: not provided. Allele origin: germline. Inheritance: Autosomal dominant inheritance. Affected: yes.

PreventionGenetics, part of Exact Sciences
Classification: Likely benign for SLC7A9-related condition. Last evaluated: 2019-10-21. Review status: no assertion criteria provided. Collection method: clinical testing. Allele origin: germline. Not counted in ClinVar's aggregate classification.
Comment: This variant is classified as likely benign based on ACMG/AMP sequence variant interpretation guidelines (Richards et al. 2015 PMID: 25741868, with internal and published modifications).

Clinical Genetics DNA and cytogenetics Diagnostics Lab, Erasmus MC, Erasmus Medical Center
Classification: Benign. Review status: no assertion criteria provided. Collection method: clinical testing. Allele origin: germline. Affected: yes. Study: VKGL Data-share Consensus. Not counted in ClinVar's aggregate classification.

Genome Diagnostics Laboratory, University Medical Center Utrecht
Classification: Benign. Review status: no assertion criteria provided. Collection method: clinical testing. Allele origin: germline. Affected: yes. Study: VKGL Data-share Consensus. Not counted in ClinVar's aggregate classification.

NM_014270.5(SLC7A9):c.1444C>T (p.Pro482Ser)

Gene: SLC7A9 (solute carrier family 7 member 9; minus strand). Cytogenetic location: 19q13.11.
Variant type: single nucleotide variant.
Coding change: c.1444C>T on transcript NM_014270.5 (MANE Select); coding-DNA position 1444, C replaced by T.
Protein change: p.Pro482Ser; replaces proline 482 with serine.
Molecular consequence: missense variant.
Genome position (GRCh38, 1-based): chr19:32,830,640, G>A on the plus strand (C>T on the coding strand, the complement: SLC7A9 is on the minus strand). VCF-style: chr19-32830640-G-A. GRCh37 (hg19) VCF-style: chr19-33321546-G-A.
Other names: p.Pro482Ser; c.1444C>T, p.Pro482Ser (NM_001126335.2, NM_001243036.2); short protein forms P482S.
Identifiers: ClinVar variation 783828 (VCV000783828.16), dbSNP rs140516386, ClinGen allele CA9358389.